The following is an entry in ClinVar:

NM_000179.3(MSH6):c.2961dup (p.Arg988fs)

Gene: MSH6 (mutS homolog 6; plus strand). Cytogenetic location: 2p16.3.
Variant type: Duplication.
Coding change: c.2961dup on transcript NM_000179.3 (MANE Select); coding-DNA position 2961, one base duplicated (T; older notation c.2961dupT).
Protein change: p.Arg988fs; shifts the reading frame from arginine 988.
Molecular consequence: frameshift variant.
Genome position (GRCh38, 1-based): chr2:47,800,944, T duplicated. VCF-style (leftmost placement, unchanged base first): chr2-47800943-C-CT. GRCh37 (hg19) VCF-style: chr2-48028082-C-CT.
Other names: c.2571dup, p.Arg858fs (NM_001281492.2); c.2055dup, p.Arg686fs (NM_001281493.2, NM_001281494.2); short protein forms R686fs, R858fs, R988fs.
Identifiers: ClinVar variation 945060 (VCV000945060.12), dbSNP rs1669532554, ClinGen allele CA1139655913.

ClinVar aggregate classification (germline): Pathogenic. Review status: criteria provided, multiple submitters, no conflicts (2 of 4 stars). 3 submissions from 3 submitters: Pathogenic (3). Last evaluated 2023-08-21.

Conditions:
Lynch syndrome 5 (LYNCH5). Also called: Colorectal cancer, hereditary nonpolyposis, type 5; Hereditary non-polyposis colorectal cancer, type 5. Identifiers: Orphanet 144, MedGen C1833477, MONDO:0013710, OMIM 614350. Disease mechanism: loss of function.
Hereditary nonpolyposis colorectal neoplasms. Identifiers: MedGen C0009405, MeSH D003123.

Submissions (3):

Myriad Genetics, Inc.
Classification: Pathogenic for Lynch syndrome 5. Last evaluated: 2023-08-21. Review status: criteria provided, single submitter. Criteria: Myriad Autosomal Dominant, Autosomal Recessive and X-Linked Classification Criteria (2023). Collection method: clinical testing. Allele origin: unknown.
Comment: This variant is considered pathogenic. This variant creates a frameshift predicted to result in premature protein truncation.

Labcorp Genetics (formerly Invitae), Labcorp
Classification: Pathogenic for Hereditary nonpolyposis colorectal neoplasms. Last evaluated: 2019-06-25. Review status: criteria provided, single submitter. Criteria: Invitae Variant Classification Sherloc (09022015). Collection method: clinical testing. Allele origin: germline.
Comment: This sequence change creates a premature translational stop signal (p.Arg988Serfs*17) in the MSH6 gene. It is expected to result in an absent or disrupted protein product. For these reasons, this variant has been classified as Pathogenic. Loss-of-function variants in MSH6 are known to be pathogenic (PMID: 18269114, 24362816). This variant has not been reported in the literature in individuals with MSH6-related conditions. This variant is not present in population databases (ExAC no frequency).

Revvity Omics, Revvity
Classification: Pathogenic. Last evaluated: 2019-06-04. Review status: criteria provided, single submitter. Criteria: ACMG Guidelines, 2015. Collection method: clinical testing. Allele origin: germline.

Literature cited by the submitters: PubMed 18269114 (cited by Labcorp Genetics (formerly Invitae), Labcorp); PubMed 24362816 (cited by Labcorp Genetics (formerly Invitae), Labcorp).